The following is an entry in ClinVar:

ClinVar aggregate classification (germline): Uncertain significance (1 of 4 stars; one submission).

Conditions:
Multiple endocrine neoplasia, type 1 (MEN1). Also called: MEN I; WERMER SYNDROME; Endocrine adenomatosis multiple; MEN 1; MEA I. Identifiers: Orphanet 652, MedGen C0025267, MeSH D018761, MONDO:0007540, OMIM 131100.

Submission:

Labcorp Genetics (formerly Invitae), Labcorp
Classification: Uncertain significance for Multiple endocrine neoplasia, type 1. Last evaluated: 2024-11-24. Review status: criteria provided, single submitter. Criteria: Invitae Variant Classification Sherloc (09022015). Collection method: clinical testing. Allele origin: germline.
Comment: This sequence change replaces phenylalanine, which is neutral and non-polar, with cysteine, which is neutral and slightly polar, at codon 146 of the MEN1 protein (p.Phe146Cys). This variant is not present in population databases (gnomAD no frequency). This variant has not been reported in the literature in individuals affected with MEN1-related conditions. Invitae Evidence Modeling of protein sequence and biophysical properties (such as structural, functional, and spatial information, amino acid conservation, physicochemical variation, residue mobility, and thermodynamic stability) indicates that this missense variant is expected to disrupt MEN1 protein function with a positive predictive value of 95%. In summary, the available evidence is currently insufficient to determine the role of this variant in disease. Therefore, it has been classified as a Variant of Uncertain Significance.

NM_001370259.2(MEN1):c.437T>G (p.Phe146Cys)

Gene: MEN1 (menin 1; minus strand). Cytogenetic location: 11q13.1.
Variant type: single nucleotide variant.
Coding change: c.437T>G on transcript NM_001370259.2 (MANE Select); coding-DNA position 437, T replaced by G.
Protein change: p.Phe146Cys; replaces phenylalanine 146 with cysteine.
Molecular consequence: missense variant. On other transcripts: non-coding transcript variant (4).
Genome position (GRCh38, 1-based): chr11:64,809,673, A>C on the plus strand (T>G on the coding strand, the complement: MEN1 is on the minus strand). VCF-style: chr11-64809673-A-C. GRCh37 (hg19) VCF-style: chr11-64577145-A-C.
Other names: c.437T>G, p.Phe146Cys (NM_000244.4, NM_001370251.2, NM_001370260.2 and 20 more transcripts); short protein forms F146C.
Identifiers: ClinVar variation 3634208 (VCV003634208.2).
Genomic context (GRCh38, chr11:64,809,673, plus strand): 5'-GGGTTTTGAAGAAGTGGGTCATGGATAAGATTCCCACCTACTGGGCTCCAACCTGTGATG[A>C]AGCTGAAGAGGGACTGGATGTGGGCCCGATCCTTGAAGTAGGAGCGGCTGAGGCTGTTCC-3'
Protein context (NP_001357188.2, residues 136-156): DRAHIQSLFS[Phe146Cys]ITGTKLDSSG